The following is an entry in ClinVar:

NM_001048174.2(MUTYH):c.1546C>T (p.Leu516Phe)

Gene: MUTYH (mutY DNA glycosylase; minus strand). Cytogenetic location: 1p34.1.
Variant type: single nucleotide variant.
Coding change: c.1546C>T on transcript NM_001048174.2 (MANE Select); coding-DNA position 1546, C replaced by T.
Protein change: p.Leu516Phe; replaces leucine 516 with phenylalanine.
Molecular consequence: missense variant. On other transcripts: non-coding transcript variant (2).
Genome position (GRCh38, 1-based): chr1:45,329,326, G>A on the plus strand (C>T on the coding strand, the complement: MUTYH is on the minus strand). VCF-style: chr1-45329326-G-A. GRCh37 (hg19) VCF-style: chr1-45794998-G-A.
Other names: c.1270C>T, p.Leu424Phe (NM_001293192.2, NM_001293196.2); c.1546C>T, p.Leu516Phe (NM_001293195.2, NM_001048171.2, NM_001048173.2); c.1201C>T, p.Leu401Phe (NM_001350650.2, NM_001350651.2); c.1621C>T, p.Leu541Phe (NM_012222.3); c.1549C>T, p.Leu517Phe (NM_001048172.2); c.1630C>T, p.Leu544Phe (NM_001128425.2); c.1591C>T, p.Leu531Phe (NM_001293190.2); c.1579C>T, p.Leu527Phe (NM_001293191.2); and 1 more; short protein forms L531F, L424F, L516F, L541F, L544F, L401F, L517F, L527F.
Identifiers: ClinVar variation 1383119 (VCV001383119.8), dbSNP rs930407042, ClinGen allele CA340131529.

ClinVar aggregate classification (germline): Uncertain significance. Review status: criteria provided, multiple submitters, no conflicts (2 of 4 stars). 3 submissions from 3 submitters: Uncertain significance (3). Last evaluated 2025-08-27.

Conditions:
Familial adenomatous polyposis 2. Also called: Adenomas, multiple colorectal; MYH-associated polyposis; COLORECTAL ADENOMATOUS POLYPOSIS, AUTOSOMAL RECESSIVE; ADENOMAS, MULTIPLE COLORECTAL, AUTOSOMAL RECESSIVE; FAP type 2; MUTYH Polyposis. Identifiers: Orphanet 220460, Orphanet 247798, MedGen C3272841, MONDO:0012041, OMIM 608456.
Hereditary cancer-predisposing syndrome. Also called: Tumor predisposition; Neoplastic Syndromes, Hereditary; Hereditary Cancer Syndrome; Hereditary neoplastic syndrome. Identifiers: Orphanet 140162, MedGen C0027672, MeSH D009386, MONDO:0015356.

Submissions (3):

Ambry Genetics
Classification: Uncertain significance for Hereditary cancer-predisposing syndrome. Last evaluated: 2025-08-27. Review status: criteria provided, single submitter. Criteria: Ambry Variant Classification Scheme 2023. Collection method: clinical testing. Allele origin: germline.
Comment: The p.L544F variant (also known as c.1630C>T), located in coding exon 16 of the MUTYH gene, results from a C to T substitution at nucleotide position 1630. The leucine at codon 544 is replaced by phenylalanine, an amino acid with highly similar properties. This amino acid position is conserved. In addition, this alteration is predicted to be tolerated by in silico analysis. Based on the available evidence, the clinical significance of this variant remains unclear.

Baylor Genetics
Classification: Uncertain significance for Familial adenomatous polyposis 2. Last evaluated: 2023-08-23. Review status: criteria provided, single submitter. Criteria: ACMG Guidelines, 2015. Collection method: clinical testing. Allele origin: unknown.

Labcorp Genetics (formerly Invitae), Labcorp
Classification: Uncertain significance for Familial adenomatous polyposis 2. Last evaluated: 2021-03-31. Review status: criteria provided, single submitter. Criteria: Invitae Variant Classification Sherloc (09022015). Collection method: clinical testing. Allele origin: germline.
Comment: In summary, the available evidence is currently insufficient to determine the role of this variant in disease. Therefore, it has been classified as a Variant of Uncertain Significance. Algorithms developed to predict the effect of missense changes on protein structure and function output the following: SIFT: "Deleterious"; PolyPhen-2: "Benign"; Align-GVGD: "Class C0". The phenylalanine amino acid residue is found in multiple mammalian species, suggesting that this missense change does not adversely affect protein function. These predictions have not been confirmed by published functional studies and their clinical significance is uncertain. This variant has not been reported in the literature in individuals with MUTYH-related conditions. This variant is not present in population databases (ExAC no frequency). This sequence change replaces leucine with phenylalanine at codon 544 of the MUTYH protein (p.Leu544Phe). The leucine residue is weakly conserved and there is a small physicochemical difference between leucine and phenylalanine.